The following is an entry in ClinVar:

ClinVar aggregate classification (germline): Benign/Likely benign. Review status: criteria provided, multiple submitters, no conflicts (2 of 4 stars). 5 submissions from 5 submitters: Benign (3); Likely benign (1). 1 of the submissions does not count toward it. Last evaluated 2023-12-18.

Conditions:
Oculofaciocardiodental syndrome (MCOPS2). Identifiers: Orphanet 2712, MedGen C1846265, MONDO:0010261, OMIM 300166.
Intellectual disability. Also called: Intellectual functioning disability; intellectual disabilities; Intellectual developmental disorder. Identifiers: MedGen C3714756, MeSH D008607, MONDO:0001071, HP:0001249.

Allele frequency attached by ClinVar (database versions not stated): gnomAD 0.00014 and 0.00015; gnomAD exomes 0.00015 and 0.00033; TOPMed 0.00015; ExAC 0.00022; ESP Exome Variant Server 0.00028.
gnomAD v4.1: 198 of 1,209,217 alleles (0.016%); highest among the groups gnomAD compares: Middle Eastern, 0.05%; 1 homozygote.

Submissions (5):

Labcorp Genetics (formerly Invitae), Labcorp
Classification: Benign for Oculofaciocardiodental syndrome. Last evaluated: 2023-12-18. Review status: criteria provided, single submitter. Criteria: Invitae Variant Classification Sherloc (09022015). Collection method: clinical testing. Allele origin: germline.

CeGaT Center for Human Genetics Tuebingen
Classification: Likely benign. Last evaluated: 2022-08-01. Review status: criteria provided, single submitter. Criteria: CeGaT Center For Human Genetics Tuebingen Variant Classification Criteria Version 2. Collection method: clinical testing. Allele origin: germline. Affected: yes. Observed: 1 variant allele.
Comment: BCOR: BP4, BS2

Department of Pathology and Laboratory Medicine, Sinai Health System
Classification: Benign for microphthalmia, syndromic 2. Last evaluated: 2020-08-24. Review status: criteria provided, single submitter. Criteria: ACMG Guidelines, 2015. Collection method: research. Allele origin: germline.

Breakthrough Genomics
Classification: Benign. Review status: criteria provided, single submitter. Criteria: ACMG Guidelines, 2015. Collection method: not provided. Allele origin: germline. Inheritance: X-linked inheritance. Affected: yes.

Centre de Biologie Pathologie Génétique, Centre Hospitalier Universitaire de Lille
Classification: Likely benign for Intellectual disability. Last evaluated: 2019-01-01. Review status: no assertion criteria provided. Collection method: clinical testing. Allele origin: inherited. Affected: yes. Not counted in ClinVar's aggregate classification.

NM_001123385.2(BCOR):c.3226G>A (p.Glu1076Lys)

Gene: BCOR (BCL6 corepressor; minus strand). Cytogenetic location: Xp11.4.
Variant type: single nucleotide variant.
Coding change: c.3226G>A on transcript NM_001123385.2 (MANE Select); coding-DNA position 3226, G replaced by A.
Protein change: p.Glu1076Lys; replaces glutamic acid 1076 with lysine.
Molecular consequence: missense variant.
Genome position (GRCh38, 1-based): chrX:40,070,985, C>T on the plus strand (G>A on the coding strand, the complement: BCOR is on the minus strand). VCF-style: chrX-40070985-C-T. GRCh37 (hg19) VCF-style: chrX-39930238-C-T.
Other names: c.3226G>A, p.Glu1076Lys (NM_001123383.2, NM_017745.6); c.3172G>A, p.Glu1058Lys (NM_001123384.2); short protein forms E1058K, E1076K.
Identifiers: ClinVar variation 697721 (VCV000697721.37), dbSNP rs202065982, ClinGen allele CA10386683.